The following is an entry in ClinVar:

ClinVar aggregate classification (germline): Uncertain significance (1 of 4 stars; one submission).

Conditions:
Mucopolysaccharidosis, MPS-III-D (MPS3D). Also called: N-ACETYLGLUCOSAMINE-6-SULFATASE DEFICIENCY; SANFILIPPO SYNDROME D; MPS III D; Mucopoly-saccharidosis type 3D; N-acetylglucosamine-6-sulfate sulfatase deficiency; MPS 3D. Identifiers: Orphanet 581, Orphanet 79272, MedGen C0086650, MONDO:0009658, OMIM 252940.

Submission:

Labcorp Genetics (formerly Invitae), Labcorp
Classification: Uncertain significance for Mucopolysaccharidosis, MPS-III-D. Last evaluated: 2025-08-19. Review status: criteria provided, single submitter. Criteria: Invitae Variant Classification Sherloc (09022015). Collection method: clinical testing. Allele origin: germline.
Comment: This sequence change replaces arginine, which is basic and polar, with leucine, which is neutral and non-polar, at codon 2 of the GNS protein (p.Arg2Leu). This variant is not present in population databases (gnomAD no frequency). This variant has not been reported in the literature in individuals affected with GNS-related conditions. Experimental studies and prediction algorithms are not available or were not evaluated, and the functional significance of this variant is currently unknown. In summary, the available evidence is currently insufficient to determine the role of this variant in disease. Therefore, it has been classified as a Variant of Uncertain Significance.

NM_002076.4(GNS):c.5G>T (p.Arg2Leu)

Gene: GNS (glucosamine (N-acetyl)-6-sulfatase; minus strand). Cytogenetic location: 12q14.3.
Variant type: single nucleotide variant.
Coding change: c.5G>T on transcript NM_002076.4 (MANE Select); coding-DNA position 5, G replaced by T.
Protein change: p.Arg2Leu; replaces arginine 2 with leucine.
Molecular consequence: missense variant.
Genome position (GRCh38, 1-based): chr12:64,759,272, C>A on the plus strand (G>T on the coding strand, the complement: GNS is on the minus strand). VCF-style: chr12-64759272-C-A. GRCh37 (hg19) VCF-style: chr12-65153052-C-A.
Other names: short protein forms R2L.
Identifiers: ClinVar variation 4725686 (VCV004725686.1).